The following is an entry in ClinVar:

NM_004304.5(ALK):c.2620T>C (p.Ser874Pro)

Gene: ALK (ALK receptor tyrosine kinase; minus strand). Cytogenetic location: 2p23.2.
Variant type: single nucleotide variant.
Coding change: c.2620T>C on transcript NM_004304.5 (MANE Select); coding-DNA position 2620, T replaced by C.
Protein change: p.Ser874Pro; replaces serine 874 with proline.
Molecular consequence: missense variant.
Genome position (GRCh38, 1-based): chr2:29,232,316, A>G on the plus strand (T>C on the coding strand, the complement: ALK is on the minus strand). VCF-style: chr2-29232316-A-G. GRCh37 (hg19) VCF-style: chr2-29455182-A-G.
Other names: short protein forms S874P.
Identifiers: ClinVar variation 2731651 (VCV002731651.3), dbSNP rs2465986103, ClinGen allele CA346471522.
Genomic context (GRCh38, chr2:29,232,316, plus strand): 5'-GAAGGCCTGGGAGAGGTTCTGGGAGAGGGCACGCTTGCAGCGCTTTACCTGCGGCTCCGG[A>G]ATTGCCGTTTAGCCCTAGAACCGAGGAGTTATTCTCCAGTCTCTCTGGGTGGAACGTGTC-3'
Protein context (NP_004295.2, residues 864-884): NSSVLGLNGN[Ser874Pro]GAAGGGGGWN

ClinVar aggregate classification (germline): Uncertain significance (1 of 4 stars; one submission).

Conditions:
Neuroblastoma, susceptibility to, 3. Also called: ALK-Related Neuroblastic Tumor Susceptibility. Identifiers: Orphanet 635, MedGen C2751681, MONDO:0013083, OMIM 613014.

Allele frequency attached by ClinVar (database versions not stated): gnomAD exomes below 0.00001.
gnomAD v4.1: 1 of 1,614,204 alleles (0.000062%); highest among the groups gnomAD compares: Non-Finnish European, 0.000085%; no homozygotes.

Submission:

Labcorp Genetics (formerly Invitae), Labcorp
Classification: Uncertain significance for Neuroblastoma, susceptibility to, 3. Last evaluated: 2023-06-28. Review status: criteria provided, single submitter. Criteria: Invitae Variant Classification Sherloc (09022015). Collection method: clinical testing. Allele origin: germline.
Comment: In summary, the available evidence is currently insufficient to determine the role of this variant in disease. Therefore, it has been classified as a Variant of Uncertain Significance. An algorithm developed to predict the effect of missense changes on protein structure and function (PolyPhen-2) suggests that this variant is likely to be tolerated. This variant has not been reported in the literature in individuals affected with ALK-related conditions. This variant is not present in population databases (gnomAD no frequency). This sequence change replaces serine, which is neutral and polar, with proline, which is neutral and non-polar, at codon 874 of the ALK protein (p.Ser874Pro).